The following is an entry in ClinVar:

ClinVar aggregate classification (germline): Uncertain significance (1 of 4 stars; one submission).

gnomAD v4.1: 9 of 1,613,870 alleles (0.00056%); highest among the groups gnomAD compares: African/African-American, 0.0027%; no homozygotes.

Submission:

GeneDx
Classification: Uncertain significance. Last evaluated: 2026-05-07. Review status: criteria provided, single submitter. Criteria: GeneDx Variant Classification Process June 2021. Collection method: clinical testing. Allele origin: germline.
Comment: In silico analysis supports that this missense variant has a deleterious effect on protein structure/function; Has not been previously published as pathogenic or benign to our knowledge

NM_016239.4(MYO15A):c.9719G>A (p.Cys3240Tyr)

Gene: MYO15A (myosin XVA; plus strand). Cytogenetic location: 17p11.2.
Variant type: single nucleotide variant.
Coding change: c.9719G>A on transcript NM_016239.4 (MANE Select); coding-DNA position 9719, G replaced by A.
Protein change: p.Cys3240Tyr; replaces cysteine 3240 with tyrosine.
Molecular consequence: missense variant.
Genome position (GRCh38, 1-based): chr17:18,163,770, G>A. VCF-style: chr17-18163770-G-A. GRCh37 (hg19) VCF-style: chr17-18067084-G-A.
Other names: short protein forms C3240Y.
Identifiers: ClinVar variation 4071699 (VCV004071699.2).